The following is an entry in ClinVar:

ClinVar aggregate classification (germline): Uncertain significance (1 of 4 stars; one submission).

Conditions:
Hearing loss, autosomal dominant 75. Also called: DEAFNESS, AUTOSOMAL DOMINANT 75. Identifiers: MedGen C5394059, MONDO:0032911, OMIM 618778.
Developmental delay with or without dysmorphic facies and autism. Identifiers: MedGen C5193106, MONDO:0032760, OMIM 618454.

gnomAD v4.1: 12 of 1,613,544 alleles (0.00074%); highest among the groups gnomAD compares: East Asian, 0.0022%; no homozygotes.

Submission:

Juno Genomics, Hangzhou Juno Genomics, Inc
Classification: Uncertain significance for Hearing loss, autosomal dominant 75; Developmental delay with or without dysmorphic facies and autism. Review status: criteria provided, single submitter. Criteria: ACMG Guidelines, 2015. Collection method: clinical testing. Allele origin: germline.
Comment: Absent from controls (or at extremely low frequency if recessive) in Genome Aggregation Database.;Multiple lines of computational evidence support a deleterious effect on the gene or gene product.

NM_001375524.1(TRRAP):c.6977-25G>A

Gene: TRRAP (transformation/transcription domain associated protein; plus strand). Cytogenetic location: 7q22.1.
Variant type: single nucleotide variant.
Coding change: c.6977-25G>A on transcript NM_001375524.1 (MANE Select); 25 bases into the intron before coding-DNA position 6977, G replaced by A.
Molecular consequence: intron variant.
Genome position (GRCh38, 1-based): chr7:98,965,671, G>A. VCF-style: chr7-98965671-G-A. GRCh37 (hg19) VCF-style: chr7-98563294-G-A.
Other names: c.6956-25G>A (NM_001244580.2); c.6902-25G>A (NM_003496.4).
Identifiers: ClinVar variation 5007254 (VCV005007254.2).